The following is an entry in ClinVar:

NM_002519.3(NPAT):c.2672C>T (p.Pro891Leu)

Gene: NPAT (nuclear protein, coactivator of histone transcription; minus strand). Cytogenetic location: 11q22.3.
Variant type: single nucleotide variant.
Coding change: c.2672C>T on transcript NM_002519.3 (MANE Select); coding-DNA position 2672, C replaced by T.
Protein change: p.Pro891Leu; replaces proline 891 with leucine.
Molecular consequence: missense variant.
Genome position (GRCh38, 1-based): chr11:108,172,312, G>A on the plus strand (C>T on the coding strand, the complement: NPAT is on the minus strand). VCF-style: chr11-108172312-G-A. GRCh37 (hg19) VCF-style: chr11-108043039-G-A.
Other names: c.2672C>T, p.Pro891Leu (NM_001321307.1); short protein forms P891L.
Identifiers: ClinVar variation 1794566 (VCV001794566.2), dbSNP rs2496716388, ClinGen allele CA382512477.

ClinVar aggregate classification (germline): Uncertain significance (1 of 4 stars; one submission).

Submission:

Ambry Genetics
Classification: Uncertain significance. Last evaluated: 2022-05-12. Review status: criteria provided, single submitter. Criteria: Ambry Variant Classification Scheme 2023. Collection method: clinical testing. Allele origin: germline.
Comment: The p.P891L variant (also known as c.2672C>T), located in coding exon 13 of the NPAT gene, results from a C to T substitution at nucleotide position 2672. The proline at codon 891 is replaced by leucine, an amino acid with similar properties. This amino acid position is conserved. In addition, the in silico prediction for this alteration is inconclusive. Since supporting evidence is limited at this time, the clinical significance of this alteration remains unclear.